The following is an entry in ClinVar:

ClinVar aggregate classification (germline): Uncertain significance. Review status: criteria provided, multiple submitters, no conflicts (2 of 4 stars). 4 submissions from 4 submitters: Uncertain significance (3). 1 of the submissions does not count toward it. Last evaluated 2026-03-27.

Conditions:
Ataxia-telangiectasia-like disorder (ATLD). Identifiers: MedGen C1858391, MONDO:0011457.
Hereditary cancer-predisposing syndrome. Also called: Tumor predisposition; Neoplastic Syndromes, Hereditary; Hereditary Cancer Syndrome; Hereditary neoplastic syndrome. Identifiers: Orphanet 140162, MedGen C0027672, MeSH D009386, MONDO:0015356.
Ataxia-telangiectasia-like disorder 1 (ATLD1). Identifiers: Orphanet 251347, MedGen C4012790, MONDO:0024557, OMIM 604391.

Allele frequency attached by ClinVar (database versions not stated): gnomAD exomes 0.00001.
gnomAD v4.1: 5 of 1,613,628 alleles (0.00031%); highest among the groups gnomAD compares: East Asian, 0.011%; no homozygotes.

Submissions (4):

Women's Health and Genetics/Laboratory Corporation of America, LabCorp
Classification: Uncertain significance. Last evaluated: 2026-03-27. Review status: criteria provided, single submitter. Criteria: LabCorp Variant Classification Summary - May 2015. Collection method: clinical testing. Allele origin: germline.
Comment: Variant summary: MRE11 c.140C>T (p.Ala47Val) results in a non-conservative amino acid change in the encoded protein sequence. Algorithms developed to predict the effect of missense changes on protein structure and function all suggest that this variant is likely to be disruptive. The variant was absent in 251372 control chromosomes. The available data on variant occurrences in the general population are insufficient to allow any conclusion about variant significance. This individual showed heterozygous genotype without second variant detected (including no CNVs detected during CGH testing) in which only the c.140C>T variant allele was detected in cDNA (e.g. Yoshida_2014). Individuals from both publications showed significantly reduced MRE11 protein expression. Additionally, the variant was observed in an individual affected with breast cancer without evidence for causality (e.g. Kim_2017). These report(s) do not provide unequivocal conclusions about association of the variant with Ataxia Telangiectasia-Like Disorder. The following publications have been ascertained in the context of this evaluation (PMID: 24332946, 24733832, 27783279). ClinVar contains an entry for this variant (Variation ID: 180713). Based on the evidence outlined above, the variant was classified as uncertain significance.

Labcorp Genetics (formerly Invitae), Labcorp
Classification: Uncertain significance for Ataxia-telangiectasia-like disorder. Last evaluated: 2025-10-05. Review status: criteria provided, single submitter. Criteria: Invitae Variant Classification Sherloc (09022015). Collection method: clinical testing. Allele origin: germline.
Comment: This sequence change replaces alanine, which is neutral and non-polar, with valine, which is neutral and non-polar, at codon 47 of the MRE11 protein (p.Ala47Val). This variant is not present in population databases (gnomAD no frequency). This missense change has been observed in individual(s) with ataxia-telangiectasia-like disorder (PMID: 24332946, 24733832). ClinVar contains an entry for this variant (Variation ID: 180713). An algorithm developed to predict the effect of missense changes on protein structure and function (PolyPhen-2) suggests that this variant is likely to be disruptive. In summary, the available evidence is currently insufficient to determine the role of this variant in disease. Therefore, it has been classified as a Variant of Uncertain Significance.

Ambry Genetics
Classification: Uncertain significance for Hereditary cancer-predisposing syndrome. Last evaluated: 2019-02-15. Review status: criteria provided, single submitter. Criteria: Ambry Variant Classification Scheme 2023. Collection method: clinical testing. Allele origin: germline.
Comment: The p.A47V variant (also known as c.140C>T), located in coding exon 2 of the MRE11A gene, results from a C to T substitution at nucleotide position 140. The alanine at codon 47 is replaced by valine, an amino acid with similar properties. Both of these patients showed reduced MRE11 protein expression compared to healthy controls (Miyamoto R et al. J. Neurol. Sci. 2014 Feb;337:219-23; Yoshida T et al. Am. J. Med. Genet. A. 2014 Jul;164A:1830-4). This alteration has also been reported in 1/235 Korean patients with Hereditary Breast Cancer, who previously tested negative for BRCA1/2 (Kim H et al. Breast Cancer Res. Treat. 2017 01;161:95-102). This amino acid position is highly conserved in available vertebrate species. In addition, this alteration is predicted to be deleterious by in silico analysis. Since supporting evidence is limited at this time, the clinical significance of this alteration remains unclear.

OMIM
Classification: Pathogenic for ATAXIA-TELANGIECTASIA-LIKE DISORDER 1. Last evaluated: 2014-02-15. Review status: no assertion criteria provided. Collection method: literature only. Allele origin: germline. Not counted in ClinVar's aggregate classification.

Literature cited by the submitters: PubMed 27783279 (cited by Women's Health and Genetics/Laboratory Corporation of America, LabCorp and Ambry Genetics); PubMed 24332946 (cited by 4 submitters); PubMed 24733832 (cited by 3 submitters).

NM_005591.4(MRE11):c.140C>T (p.Ala47Val)

Gene: MRE11 (MRE11 double strand break repair nuclease; minus strand). Cytogenetic location: 11q21.
Variant type: single nucleotide variant.
Coding change: c.140C>T on transcript NM_005591.4 (MANE Select); coding-DNA position 140, C replaced by T.
Protein change: p.Ala47Val; replaces alanine 47 with valine.
Molecular consequence: missense variant.
Genome position (GRCh38, 1-based): chr11:94,490,846, G>A on the plus strand (C>T on the coding strand, the complement: MRE11 is on the minus strand). VCF-style: chr11-94490846-G-A. GRCh37 (hg19) VCF-style: chr11-94224012-G-A.
Other names: c.140C>T, p.Ala47Val (NM_001330347.2, NM_005590.4); short protein forms A47V.
Identifiers: ClinVar variation 180713 (VCV000180713.13), dbSNP rs730880378, ClinGen allele CA185954.